The following is an entry in ClinVar:

NM_021072.4(HCN1):c.426-14_426-5del

Gene: HCN1 (hyperpolarization activated cyclic nucleotide gated potassium channel 1; minus strand). Cytogenetic location: 5p12.
Variant type: Deletion.
Coding change: c.426-14_426-5del on transcript NM_021072.4 (MANE Select); 14 bases into the intron before coding-DNA position 426 through 5 bases into the intron before coding-DNA position 426, 10 bases deleted (TTTATTTGTT; older notation c.426-14_426-5delTTTATTTGTT).
Molecular consequence: intron variant.
Genome position (GRCh38, 1-based): chr5:45,645,613-45,645,622, AACAAATAAA deleted on the plus strand (TTTATTTGTT on the coding strand, the reverse complement: HCN1 is on the minus strand); deleting any 10 consecutive bases within chr5:45,645,613-45,645,624 gives the same sequence; the c. name uses the placement nearest the transcript's 3' end. VCF-style (leftmost placement, unchanged base first): chr5-45645612-CAACAAATAAA-C. GRCh37 (hg19) VCF-style: chr5-45645714-CAACAAATAAA-C.
Identifiers: ClinVar variation 4682036 (VCV004682036.5).

ClinVar aggregate classification (germline): Uncertain significance (1 of 4 stars; one submission).

Submission:

CeGaT Center for Human Genetics Tuebingen
Classification: Uncertain significance. Last evaluated: 2025-12-01. Review status: criteria provided, single submitter. Criteria: CeGaT Center For Human Genetics Tuebingen Variant Classification Criteria Version 2. Collection method: clinical testing. Allele origin: germline. Affected: yes. Observed: 1 variant allele.
Comment: HCN1: PP3